The following is an entry in ClinVar:

ClinVar aggregate classification (germline): Uncertain significance (1 of 4 stars; one submission).

Submission:

Dasa
Classification: Uncertain significance. Last evaluated: 2025-05-19. Review status: criteria provided, single submitter. Criteria: DASA Assertion Criteria. Collection method: clinical testing. Allele origin: germline.
Comment: NM_020975.6(RET):c.2341C>G (p.Gln781Glu) is a missense variant that results in the substitution of glutamine with glutamic acid. This variant is absent from population databases. The currently available literature and clinical evidence are not sufficient to establish a definitive association between this variant and the reported condition. Therefore, this variant is classified as a variant of uncertain significance.

NM_020975.6(RET):c.2341C>G (p.Gln781Glu)

Gene: RET (ret proto-oncogene; plus strand). Cytogenetic location: 10q11.21.
Variant type: single nucleotide variant.
Coding change: c.2341C>G on transcript NM_020975.6 (MANE Select); coding-DNA position 2341, C replaced by G.
Protein change: p.Gln781Glu; replaces glutamine 781 with glutamic acid.
Molecular consequence: missense variant.
Genome position (GRCh38, 1-based): chr10:43,118,429, C>G. VCF-style: chr10-43118429-C-G. GRCh37 (hg19) VCF-style: chr10-43613877-C-G.
Other names: c.2053C>G, p.Gln685Glu (NM_001406770.1, NM_001406766.1, NM_001406767.1); c.1903C>G, p.Gln635Glu (NM_001406771.1, NM_001406773.1); c.1945C>G, p.Gln649Glu (NM_001406772.1, NM_001406769.1); c.1816C>G, p.Gln606Glu (NM_001406774.1); c.1615C>G, p.Gln539Glu (NM_001406775.1, NM_001406776.1, NM_001406777.1 and 1 more transcripts); c.1444C>G, p.Gln482Glu (NM_001406779.1, NM_001406780.1, NM_001406781.1 and 1 more transcripts); c.1156C>G, p.Gln386Glu (NM_001406789.1, NM_001406790.1, NM_001406788.1); c.1036C>G, p.Gln346Glu (NM_001406791.1); and 10 more; short protein forms Q298E, Q346E, Q386E, Q437E, Q439E, Q442E, Q451E, Q482E.
Identifiers: ClinVar variation 4885601 (VCV004885601.2).